The following is an entry in ClinVar:

NM_001100913.3(PACS2):c.53C>T (p.Thr18Met)

Genes: BRF1 (BRF1 general transcription factor IIIB subunit; minus strand), PACS2 (phosphofurin acidic cluster sorting protein 2; plus strand), LOC130056677 (ATAC-STARR-seq lymphoblastoid silent region 6228; plus strand). Cytogenetic location: 14q32.33.
Variant type: single nucleotide variant.
Coding change: c.53C>T on transcript NM_001100913.3 (MANE Select); coding-DNA position 53, C replaced by T.
Protein change: p.Thr18Met; replaces threonine 18 with methionine.
Molecular consequence: missense variant. On other transcripts: intron variant (4).
Genome position (GRCh38, 1-based): chr14:105,314,971, C>T. VCF-style: chr14-105314971-C-T. GRCh37 (hg19) VCF-style: chr14-105781308-C-T.
Other names: c.53C>T, p.Thr18Met (NM_015197.4); c.-162+351G>A (NM_001440451.1, NM_001242787.2, NM_001242786.2); c.-83+13992C>T (NM_001243127.3); short protein forms T18M.
Identifiers: ClinVar variation 3663357 (VCV003663357.2).

ClinVar aggregate classification (germline): Uncertain significance (1 of 4 stars; one submission).

Submission:

Labcorp Genetics (formerly Invitae), Labcorp
Classification: Uncertain significance. Last evaluated: 2024-08-24. Review status: criteria provided, single submitter. Criteria: Invitae Variant Classification Sherloc (09022015). Collection method: clinical testing. Allele origin: germline.
Comment: This sequence change replaces threonine, which is neutral and polar, with methionine, which is neutral and non-polar, at codon 18 of the PACS2 protein (p.Thr18Met). This variant is not present in population databases (gnomAD no frequency). This variant has not been reported in the literature in individuals affected with PACS2-related conditions. An algorithm developed to predict the effect of missense changes on protein structure and function (PolyPhen-2) suggests that this variant is likely to be disruptive. In summary, the available evidence is currently insufficient to determine the role of this variant in disease. Therefore, it has been classified as a Variant of Uncertain Significance.